The following is an entry in ClinVar:

ClinVar aggregate classification (germline): Uncertain significance. Review status: criteria provided, multiple submitters, no conflicts (2 of 4 stars). 2 submissions from 2 submitters: Uncertain significance (2). Last evaluated 2022-07-19.

Conditions:
Charcot-Marie-Tooth disease. Also called: Charcot-Marie-Tooth Hereditary Neuropathy; Charcot-Marie-Tooth Neuropathy. Identifiers: Orphanet 166, MedGen C0007959, MONDO:0015626.
Charcot-Marie-Tooth disease type 4. Also called: Charcot-Marie-Tooth, Type 4; Charcot-Marie-Tooth disease, type IV. Identifiers: Orphanet 64749, MedGen C4082197, MONDO:0018995.

Allele frequency attached by ClinVar (database versions not stated): ExAC 0.00001.
gnomAD v4.1: 13 of 1,602,654 alleles (0.00081%); highest among the groups gnomAD compares: Non-Finnish European, 0.0011%; no homozygotes.

Submissions (2):

Labcorp Genetics (formerly Invitae), Labcorp
Classification: Uncertain significance for Charcot-Marie-Tooth disease type 4. Last evaluated: 2022-07-19. Review status: criteria provided, single submitter. Criteria: Invitae Variant Classification Sherloc (09022015). Collection method: clinical testing. Allele origin: germline.
Comment: In summary, the available evidence is currently insufficient to determine the role of this variant in disease. Therefore, it has been classified as a Variant of Uncertain Significance. Algorithms developed to predict the effect of missense changes on protein structure and function (SIFT, PolyPhen-2, Align-GVGD) all suggest that this variant is likely to be disruptive. ClinVar contains an entry for this variant (Variation ID: 916915). This missense change has been observed in individual(s) with clinical features of Charcot-Marie-Tooth disease (PMID: 32376792). This variant is present in population databases (rs767394584, gnomAD 0.001%). This sequence change replaces arginine, which is basic and polar, with proline, which is neutral and non-polar, at codon 1307 of the PRX protein (p.Arg1307Pro).

Molecular Genetics Laboratory, London Health Sciences Centre
Classification: Uncertain significance for Charcot-Marie-Tooth disease. Review status: criteria provided, single submitter. Criteria: ACMG Guidelines, 2015. Collection method: clinical testing. Allele origin: germline. Affected: yes.

Literature cited by the submitters: PubMed 32376792 (cited by Labcorp Genetics (formerly Invitae), Labcorp).

NM_181882.3(PRX):c.3920G>C (p.Arg1307Pro)

Gene: PRX (periaxin; minus strand). Cytogenetic location: 19q13.2.
Variant type: single nucleotide variant.
Coding change: c.3920G>C on transcript NM_181882.3 (MANE Select); coding-DNA position 3920, G replaced by C.
Protein change: p.Arg1307Pro; replaces arginine 1307 with proline.
Molecular consequence: missense variant. On other transcripts: 3 prime UTR variant (1).
Genome position (GRCh38, 1-based): chr19:40,394,432, C>G on the plus strand (G>C on the coding strand, the complement: PRX is on the minus strand). VCF-style: chr19-40394432-C-G. GRCh37 (hg19) VCF-style: chr19-40900339-C-G.
Other names: c.*4125G>C (NM_020956.2); short protein forms R1307P.
Identifiers: ClinVar variation 916915 (VCV000916915.9), dbSNP rs767394584, ClinGen allele CA9443744.
Genomic context (GRCh38, chr19:40,394,432, plus strand): 5'-TTGGCCTTCTCACCCTCCTCGGCCCCCTCCTTGGCCCGCACCAGGCCAAACCGGGGCAGC[C>G]GTACCTTGAGCTTGTGTCCGGCCTCTCCCTCCCCCTCTGCCACCTGGTACTCGGCATGGT-3'
Protein context (NP_870998.2, residues 1297-1317): EGEAGHKLKV[Arg1307Pro]LPRFGLVRAK